The following is an entry in ClinVar:

NC_000001.10:g.(?_2341800)_(2343951_?)del

Gene: PEX10 (peroxisomal biogenesis factor 10; minus strand). Cytogenetic location: 1p36.32.
Variant type: Deletion.
Identifiers: ClinVar variation 2427450 (VCV002427450.3).

ClinVar aggregate classification (germline): Pathogenic (1 of 4 stars; one submission).

Conditions:
Peroxisome biogenesis disorder, complementation group 7 (CG7). Also called: Peroxisome biogenesis disorder, complementation group B. Identifiers: MedGen C1864399.

Submission:

Labcorp Genetics (formerly Invitae), Labcorp
Classification: Pathogenic for Peroxisome biogenesis disorder, complementation group 7. Last evaluated: 2022-07-07. Review status: criteria provided, single submitter. Criteria: Invitae Variant Classification Sherloc (09022015). Collection method: clinical testing. Allele origin: germline.
Comment: This variant is a gross deletion of the genomic region encompassing exon(s) 1-2 of the PEX10 gene, which includes the initiator codon. This deletion extends beyond the assayed region for this gene and therefore may encompass additional genes. It is expected to result in an absent or disrupted protein product. Loss-of-function variants in PEX10 are known to be pathogenic (PMID: 9683594, 10862081, 21031596). This variant has not been reported in the literature in individuals affected with PEX10-related conditions. For these reasons, this variant has been classified as Pathogenic.

Literature cited by the submitters: PubMed 9683594; PubMed 10862081; PubMed 21031596.